The following is an entry in ClinVar:

NM_002661.5(PLCG2):c.2083A>G (p.Ile695Val)

Gene: PLCG2 (phospholipase C gamma 2; plus strand). Cytogenetic location: 16q23.3.
Variant type: single nucleotide variant.
Coding change: c.2083A>G on transcript NM_002661.5 (MANE Select); coding-DNA position 2083, A replaced by G.
Protein change: p.Ile695Val; replaces isoleucine 695 with valine.
Molecular consequence: missense variant.
Genome position (GRCh38, 1-based): chr16:81,919,512, A>G. VCF-style: chr16-81919512-A-G. GRCh37 (hg19) VCF-style: chr16-81953117-A-G.
Other names: c.2083A>G, p.Ile695Val (NM_001425749.1, NM_001425750.1, NM_001425751.1); short protein forms I695V.
Identifiers: ClinVar variation 4771319 (VCV004771319.1).

ClinVar aggregate classification (germline): Uncertain significance (1 of 4 stars; one submission).

Conditions:
Familial cold autoinflammatory syndrome 3 (FCAS3). Also called: FAMILIAL ATYPICAL COLD URTICARIA; ANTIBODY DEFICIENCY AND IMMUNE DYSREGULATION, PLCG2-ASSOCIATED. Identifiers: Orphanet 300359, MedGen C3280914, MONDO:0013766, OMIM 614468.

Submission:

Labcorp Genetics (formerly Invitae), Labcorp
Classification: Uncertain significance for Familial cold autoinflammatory syndrome 3. Last evaluated: 2025-04-29. Review status: criteria provided, single submitter. Criteria: Invitae Variant Classification Sherloc (09022015). Collection method: clinical testing. Allele origin: germline.
Comment: This sequence change replaces isoleucine, which is neutral and non-polar, with valine, which is neutral and non-polar, at codon 695 of the PLCG2 protein (p.Ile695Val). This variant is not present in population databases (gnomAD no frequency). This variant has not been reported in the literature in individuals affected with PLCG2-related conditions. An algorithm developed to predict the effect of missense changes on protein structure and function (PolyPhen-2) suggests that this variant is likely to be tolerated. In summary, the available evidence is currently insufficient to determine the role of this variant in disease. Therefore, it has been classified as a Variant of Uncertain Significance.